The following is an entry in ClinVar:

NM_005530.3(IDH3A):c.864G>A (p.Ser288=)

Gene: IDH3A (isocitrate dehydrogenase (NAD(+)) 3 catalytic subunit alpha; plus strand). Cytogenetic location: 15q25.1.
Variant type: single nucleotide variant.
Coding change: c.864G>A on transcript NM_005530.3 (MANE Select); coding-DNA position 864, G replaced by A.
Protein change: p.Ser288=; no amino-acid change (serine 288 retained).
Molecular consequence: synonymous variant.
Genome position (GRCh38, 1-based): chr15:78,165,076, G>A. VCF-style: chr15-78165076-G-A. GRCh37 (hg19) VCF-style: chr15-78457418-G-A.
Identifiers: ClinVar variation 1362881 (VCV001362881.4), dbSNP rs575301725, ClinGen allele CA273807107.

ClinVar aggregate classification (germline): Uncertain significance (1 of 4 stars; one submission).

Allele frequency attached by ClinVar (database versions not stated): gnomAD exomes below 0.00001; gnomAD 0.00001; TOPMed 0.00001.
gnomAD v4.1: 5 of 1,605,896 alleles (0.00031%); highest among the groups gnomAD compares: African/African-American, 0.0013%; no homozygotes.

Submissions (2):

Labcorp Genetics (formerly Invitae), Labcorp
Classification: Uncertain significance. Last evaluated: 2022-03-03. Review status: criteria provided, single submitter. Criteria: Invitae Variant Classification Sherloc (09022015). Collection method: clinical testing. Allele origin: germline.
Comment: This sequence change affects codon 288 of the IDH3A mRNA. It is a 'silent' change, meaning that it does not change the encoded amino acid sequence of the IDH3A protein. This variant also falls at the last nucleotide of exon 9, which is part of the consensus splice site for this exon. This variant is not present in population databases (gnomAD no frequency). This variant has not been reported in the literature in individuals affected with IDH3A-related conditions. Variants that disrupt the consensus splice site are a relatively common cause of aberrant splicing (PMID: 17576681, 9536098). Algorithms developed to predict the effect of sequence changes on RNA splicing suggest that this variant may disrupt the consensus splice site. In summary, the available evidence is currently insufficient to determine the role of this variant in disease. Therefore, it has been classified as a Variant of Uncertain Significance.

Dr. Peter K. Rogan Lab, Western University
No classification provided (evidence only). Condition: Thyroid cancer, nonmedullary, 1. Review status: no classification provided. Collection method: in vitro. Allele origin: not applicable. Functional consequence: retained intron. Not counted in ClinVar's aggregate classification.

Literature cited by the submitters: PubMed 17576681 (cited by Labcorp Genetics (formerly Invitae), Labcorp); PubMed 9536098 (cited by Labcorp Genetics (formerly Invitae), Labcorp).